The following is an entry in ClinVar:

NM_018117.12(WDR11):c.1592C>G (p.Ser531Cys)

Gene: WDR11 (WD repeat domain 11; plus strand). Cytogenetic location: 10q26.12.
Variant type: single nucleotide variant.
Coding change: c.1592C>G on transcript NM_018117.12 (MANE Select); coding-DNA position 1592, C replaced by G.
Protein change: p.Ser531Cys; replaces serine 531 with cysteine.
Molecular consequence: missense variant.
Genome position (GRCh38, 1-based): chr10:120,878,388, C>G. VCF-style: chr10-120878388-C-G. GRCh37 (hg19) VCF-style: chr10-122637900-C-G.
Other names: short protein forms S531C.
Identifiers: ClinVar variation 4531412 (VCV004531412.2).
Genomic context (GRCh38, chr10:120,878,388, plus strand): 5'-ACCTTTATCTCATTTCCTATTATAGGGGTATTGAATGGACAAGTTTGACTAGTTTTCTTT[C>G]TTTTGCTACCTCAACACCAAACAATATGGGATTAGTGAGAAATGAACTTCAACTGGTTGA-3'
Protein context (NP_060587.8, residues 521-541): IEWTSLTSFL[Ser531Cys]FATSTPNNMG

ClinVar aggregate classification (germline): Uncertain significance. Review status: criteria provided, multiple submitters, no conflicts (2 of 4 stars). 2 submissions from 2 submitters: Uncertain significance (2). Last evaluated 2025-10-06.

Conditions:
Hypogonadotropic hypogonadism 14 with or without anosmia (HH14). Also called: HYPOGONADOTROPIC HYPOGONADISM 14 WITHOUT ANOSMIA. Identifiers: Orphanet 478, MedGen C3540450, MONDO:0013926, OMIM 614858.

gnomAD v4.1: 55 of 1,613,034 alleles (0.0034%); highest among the groups gnomAD compares: Middle Eastern, 0.05%; no homozygotes.

Submissions (2):

Labcorp Genetics (formerly Invitae), Labcorp
Classification: Uncertain significance. Last evaluated: 2025-10-06. Review status: criteria provided, single submitter. Criteria: Invitae Variant Classification Sherloc (09022015). Collection method: clinical testing. Allele origin: germline.
Comment: This sequence change replaces serine, which is neutral and polar, with cysteine, which is neutral and slightly polar, at codon 531 of the WDR11 protein (p.Ser531Cys). This variant is present in population databases (rs775506715, gnomAD 0.006%). This variant has not been reported in the literature in individuals affected with WDR11-related conditions. An algorithm developed to predict the effect of missense changes on protein structure and function (PolyPhen-2) suggests that this variant is likely to be tolerated. In summary, the available evidence is currently insufficient to determine the role of this variant in disease. Therefore, it has been classified as a Variant of Uncertain Significance.

Victorian Clinical Genetics Services, Murdoch Childrens Research Institute
Classification: Uncertain significance for Hypogonadotropic hypogonadism 14 with or without anosmia. Last evaluated: 2025-04-14. Review status: criteria provided, single submitter. Criteria: ACMG Guidelines, 2015. Collection method: clinical testing. Allele origin: germline. Affected: yes.
Comment: This variant is classified as VUS-3B. Evidence in support of pathogenic classification: Variant is present in gnomAD <0.01 (v4: 55 heterozygote(s), 0 homozygote(s)); Missense variant predicted to be damaging by in silico tool(s) or highly conserved with a major amino acid change. Additional information: Variant is predicted to result in a missense amino acid change from serine to cysteine; This variant is heterozygous; This gene is associated with both recessive and dominant disease. Monoallelic variants are associated with hypogonadotropic hypogonadism 14 with or without anosmia (MIM#614858), while biallelic variants are associated with intellectual developmental disorder, autosomal recessive 78 (MIM#620237); Alternative amino acid change(s) at the same position are present in gnomAD (Highest allele count: v4: 1 heterozygote(s), 0 homozygote(s)); Previous evidence of pathogenicity for this variant is inconclusive. This variant has been reported as a VUS in literature for individuals presenting with disorders of sex development, however the contribution of our variant remains unclear in these instances (PMIDs: 31200363, 31555317); No published segregation evidence has been identified for this variant; No published functional evidence has been identified for this variant; No comparable missense variants have previous evidence for pathogenicity; Variant is located in the annotated WDR11 second beta-propeller domain (DECIPHER); Loss of function is a known mechanism of disease in this gene and is associated with hypogonadotropic hypogonadism 14 with or without anosmia (MIM#614858) and intellectual developmental disorder, autosomal recessive 78 (MIM#620237); Inheritance information for this variant is not currently available in this individual.

Literature cited by the submitters: PubMed 31200363 (cited by Victorian Clinical Genetics Services, Murdoch Childrens Research Institute); PubMed 31555317 (cited by Victorian Clinical Genetics Services, Murdoch Childrens Research Institute).